The following is an entry in ClinVar:

NM_024675.4(PALB2):c.1179dup (p.His394fs)

Gene: PALB2 (partner and localizer of BRCA2; minus strand). Cytogenetic location: 16p12.2.
Variant type: Duplication.
Coding change: c.1179dup on transcript NM_024675.4 (MANE Select); coding-DNA position 1179, one base duplicated (A; older notation c.1179dupA).
Protein change: p.His394fs; shifts the reading frame from histidine 394.
Molecular consequence: frameshift variant.
Genome position (GRCh38, 1-based): chr16:23,635,367, T duplicated on the plus strand (A on the coding strand, the reverse complement: PALB2 is on the minus strand); the first of 5 consecutive T bases (chr16:23,635,367-23,635,371); duplicating any one gives the same sequence. VCF-style (leftmost placement, unchanged base first): chr16-23635366-G-GT. GRCh37 (hg19) VCF-style: chr16-23646687-G-GT.
Other names: short protein forms H394fs.
Identifiers: ClinVar variation 1456309 (VCV001456309.10), dbSNP rs1567221417, ClinGen allele CA2573152184.

ClinVar aggregate classification (germline): Pathogenic. Review status: criteria provided, multiple submitters, no conflicts (2 of 4 stars). 3 submissions from 3 submitters: Pathogenic (3). Last evaluated 2023-09-08.

Conditions:
Hereditary cancer-predisposing syndrome. Also called: Neoplastic Syndromes, Hereditary; Hereditary Cancer Syndrome; Hereditary neoplastic syndrome; Tumor predisposition. Identifiers: Orphanet 140162, MedGen C0027672, MeSH D009386, MONDO:0015356.
Familial cancer of breast. Also called: BREAST CANCER, FAMILIAL; hereditary breast carcinoma; Hereditary breast cancer. Identifiers: Orphanet 227535, MedGen C0346153, MONDO:0016419, OMIM 114480. Disease mechanism: loss of function.

Submissions (3):

Myriad Genetics, Inc.
Classification: Pathogenic for Familial cancer of breast. Last evaluated: 2023-09-08. Review status: criteria provided, single submitter. Criteria: Myriad Autosomal Dominant, Autosomal Recessive and X-Linked Classification Criteria (2023). Collection method: clinical testing. Allele origin: unknown.
Comment: This variant is considered pathogenic. This variant creates a frameshift predicted to result in premature protein truncation.

Ambry Genetics
Classification: Pathogenic for Hereditary cancer-predisposing syndrome. Last evaluated: 2021-08-31. Review status: criteria provided, single submitter. Criteria: Ambry Variant Classification Scheme 2023. Collection method: clinical testing. Allele origin: germline.
Comment: The c.1179dupA pathogenic mutation, located in coding exon 4 of the PALB2 gene, results from a duplication of A at nucleotide position 1179, causing a translational frameshift with a predicted alternate stop codon (p.H394Tfs*7). This variant is considered to be rare based on population cohorts in the Genome Aggregation Database (gnomAD). This alteration is expected to result in loss of function by premature protein truncation or nonsense-mediated mRNA decay. As such, this alteration is interpreted as a disease-causing mutation.

Labcorp Genetics (formerly Invitae), Labcorp
Classification: Pathogenic for Familial cancer of breast. Last evaluated: 2021-04-18. Review status: criteria provided, single submitter. Criteria: Invitae Variant Classification Sherloc (09022015). Collection method: clinical testing. Allele origin: germline.
Comment: This sequence change creates a premature translational stop signal (p.His394Thrfs*7) in the PALB2 gene. It is expected to result in an absent or disrupted protein product. Loss-of-function variants in PALB2 are known to be pathogenic (PMID: 17200668, 24136930, 25099575). This variant is not present in population databases (ExAC no frequency). This variant has not been reported in the literature in individuals with PALB2-related conditions. For these reasons, this variant has been classified as Pathogenic.

Literature cited by the submitters: PubMed 17200668 (cited by Labcorp Genetics (formerly Invitae), Labcorp); PubMed 24136930 (cited by Labcorp Genetics (formerly Invitae), Labcorp); PubMed 25099575 (cited by Labcorp Genetics (formerly Invitae), Labcorp).